The following is an entry in ClinVar:

NM_213653.4(HJV):c.829C>T (p.Gln277Ter)

Gene: HJV (hemojuvelin BMP co-receptor; minus strand). Cytogenetic location: 1q21.1.
Variant type: single nucleotide variant.
Coding change: c.829C>T on transcript NM_213653.4 (MANE Select); coding-DNA position 829, C replaced by T.
Protein change: p.Gln277Ter; replaces glutamine 277 with a stop codon.
Molecular consequence: nonsense.
Genome position (GRCh38, 1-based): chr1:146,018,529, G>A on the plus strand (C>T on the coding strand, the complement: HJV is on the minus strand). VCF-style: chr1-146018529-G-A. GRCh37 (hg19) VCF-style: chr1-145416484-C-T.
Other names: c.151C>T, p.Gln51Ter (NM_001316767.2, NM_202004.4, NM_213652.4); c.829C>T, p.Gln277Ter (NM_001379352.1); c.490C>T, p.Gln164Ter (NM_145277.5); short protein forms Q164*, Q277*, Q51*.
Identifiers: ClinVar variation 855259 (VCV000855259.10), dbSNP rs1652488301, ClinGen allele CA342136566.

ClinVar aggregate classification (germline): Pathogenic/Likely pathogenic. Review status: criteria provided, multiple submitters, no conflicts (2 of 4 stars). 2 submissions from 2 submitters: Pathogenic (1); Likely pathogenic (1). Last evaluated 2024-06-21.

Conditions:
Hemochromatosis type 2A (HFE2A). Also called: Adult-Onset Hemochromatosis; HJV (HFE2)-Related Juvenile Hemochromatosis. Identifiers: Orphanet 79230, MedGen C1865614, MONDO:0011216, OMIM 602390.

Allele frequency attached by ClinVar (database versions not stated): gnomAD exomes below 0.00001.

Submissions (2):

Natera, Inc.
Classification: Likely pathogenic for Hemochromatosis type 2A. Last evaluated: 2024-06-21. Review status: criteria provided, single submitter. Criteria: Natera Variant Classification Schema (03/2026). Collection method: clinical testing. Allele origin: germline.
Comment: The c.829C>T variant in HJV is a nonsense variant predicted to introduce a stop codon at amino acid 277. This variant is expected to result in nonsense mediated decay, truncation, or a dysfunctional protein product. This variant is rare in the general population with a frequency below the threshold expected for the associated phenotype(s). Given the available evidence, this variant is classified as Likely Pathogenic.

Labcorp Genetics (formerly Invitae), Labcorp
Classification: Pathogenic. Last evaluated: 2019-12-06. Review status: criteria provided, single submitter. Criteria: Invitae Variant Classification Sherloc (09022015). Collection method: clinical testing. Allele origin: germline.
Comment: This sequence change results in a premature translational stop signal in the HJV gene (p.Gln277*). While this is not anticipated to result in nonsense mediated decay, it is expected to disrupt the last 150 amino acids of the HJV protein. This variant is not present in population databases (ExAC no frequency). This variant has not been reported in the literature in individuals with HJV-related conditions. This variant disrupts the C-terminus of the HJV protein. Other variant(s) that disrupt this region (p.Arg385*) have been determined to be pathogenic (PMID: 14982873, 30389309). This suggests that variants that disrupt this region of the protein are likely to be causative of disease. For these reasons, this variant has been classified as Pathogenic.

Literature cited by the submitters: PubMed 14982873 (cited by Labcorp Genetics (formerly Invitae), Labcorp); PubMed 30389309 (cited by Labcorp Genetics (formerly Invitae), Labcorp).